The following is an entry in ClinVar:

ClinVar aggregate classification (germline): Uncertain significance. Review status: criteria provided, multiple submitters, no conflicts (2 of 4 stars). 3 submissions from 3 submitters: Uncertain significance (3). Last evaluated 2026-07-24.

Conditions:
SAMD9-related disorder. Also called: SAMD9-related condition.
Inborn genetic diseases. Identifiers: MedGen C0950123, MeSH D030342.

Submissions (3):

PreventionGenetics, part of Exact Sciences
Classification: Uncertain significance for SAMD9-related condition. Last evaluated: 2026-07-24. Review status: criteria provided, single submitter. Criteria: ACMG Guidelines, 2015. Collection method: clinical testing. Allele origin: germline.
Comment: The SAMD9 c.1304A>G variant is predicted to result in the amino acid substitution p.Lys435Arg. To our knowledge, this variant has not been reported in the literature or in a large population database (gnomAD), indicating this variant is rare. At this time, the clinical significance of this variant is uncertain due to the absence of conclusive functional and genetic evidence.

Labcorp Genetics (formerly Invitae), Labcorp
Classification: Uncertain significance. Last evaluated: 2025-03-31. Review status: criteria provided, single submitter. Criteria: Invitae Variant Classification Sherloc (09022015). Collection method: clinical testing. Allele origin: germline.
Comment: This sequence change replaces lysine, which is basic and polar, with arginine, which is basic and polar, at codon 435 of the SAMD9 protein (p.Lys435Arg). This variant is not present in population databases (gnomAD no frequency). This variant has not been reported in the literature in individuals affected with SAMD9-related conditions. ClinVar contains an entry for this variant (Variation ID: 2303709). Invitae Evidence Modeling of protein sequence and biophysical properties (such as structural, functional, and spatial information, amino acid conservation, physicochemical variation, residue mobility, and thermodynamic stability) indicates that this missense variant is not expected to disrupt SAMD9 protein function with a negative predictive value of 95%. In summary, the available evidence is currently insufficient to determine the role of this variant in disease. Therefore, it has been classified as a Variant of Uncertain Significance.

Ambry Genetics
Classification: Uncertain significance for Inborn genetic diseases. Last evaluated: 2024-11-21. Review status: criteria provided, single submitter. Criteria: Ambry Variant Classification Scheme 2023. Collection method: clinical testing. Allele origin: germline.
Comment: The p.K435R variant (also known as c.1304A>G), located in coding exon 1 of the SAMD9 gene, results from an A to G substitution at nucleotide position 1304. The lysine at codon 435 is replaced by arginine, an amino acid with highly similar properties. This amino acid position is conserved. In addition, this alteration is predicted to be tolerated by in silico analysis. Based on the available evidence, the clinical significance of this variant remains unclear.

NM_017654.4(SAMD9):c.1304A>G (p.Lys435Arg)

Gene: SAMD9 (sterile alpha motif domain containing 9; minus strand). Cytogenetic location: 7q21.2.
Variant type: single nucleotide variant.
Coding change: c.1304A>G on transcript NM_017654.4 (MANE Select); coding-DNA position 1304, A replaced by G.
Protein change: p.Lys435Arg; replaces lysine 435 with arginine.
Molecular consequence: missense variant.
Genome position (GRCh38, 1-based): chr7:93,104,794, T>C on the plus strand (A>G on the coding strand, the complement: SAMD9 is on the minus strand). VCF-style: chr7-93104794-T-C. GRCh37 (hg19) VCF-style: chr7-92734107-T-C.
Other names: c.1304A>G, p.Lys435Arg (NM_001193307.2); short protein forms K435R.
Identifiers: ClinVar variation 2303709 (VCV002303709.6), dbSNP rs2535360790, ClinGen allele CA368197712.